The following is an entry in ClinVar:

ClinVar aggregate classification (germline): Uncertain significance (1 of 4 stars; one submission).

Submission:

Labcorp Genetics (formerly Invitae), Labcorp
Classification: Uncertain significance. Last evaluated: 2022-08-21. Review status: criteria provided, single submitter. Criteria: Invitae Variant Classification Sherloc (09022015). Collection method: clinical testing. Allele origin: germline.
Comment: In summary, the available evidence is currently insufficient to determine the role of this variant in disease. Therefore, it has been classified as a Variant of Uncertain Significance. Algorithms developed to predict the effect of missense changes on protein structure and function output the following: SIFT: "Tolerated"; PolyPhen-2: "Benign"; Align-GVGD: "Class C0". The glutamine amino acid residue is found in multiple mammalian species, which suggests that this missense change does not adversely affect protein function. This variant has not been reported in the literature in individuals affected with OTOG-related conditions. This variant is not present in population databases (gnomAD no frequency). This sequence change replaces glutamic acid, which is acidic and polar, with glutamine, which is neutral and polar, at codon 2550 of the OTOG protein (p.Glu2550Gln).

NM_001292063.2(OTOG):c.7612G>C (p.Glu2538Gln)

Gene: OTOG (otogelin; plus strand). Cytogenetic location: 11p15.1.
Variant type: single nucleotide variant.
Coding change: c.7612G>C on transcript NM_001292063.2 (MANE Select); coding-DNA position 7612, G replaced by C.
Protein change: p.Glu2538Gln; replaces glutamic acid 2538 with glutamine.
Molecular consequence: missense variant.
Genome position (GRCh38, 1-based): chr11:17,635,106, G>C. VCF-style: chr11-17635106-G-C. GRCh37 (hg19) VCF-style: chr11-17656653-G-C.
Other names: c.7648G>C, p.Glu2550Gln (NM_001277269.2); short protein forms E2538Q, E2550Q.
Identifiers: ClinVar variation 1717378 (VCV001717378.5), dbSNP rs1854231647, ClinGen allele CA379812951.